The following is an entry in ClinVar:

ClinVar aggregate classification (germline): Uncertain significance. Review status: criteria provided, multiple submitters, no conflicts (2 of 4 stars). 2 submissions from 2 submitters: Uncertain significance (2). Last evaluated 2025-06-12.

Conditions:
Autosomal recessive limb-girdle muscular dystrophy type 2Q (LGMDR17). Also called: MUSCULAR DYSTROPHY, LIMB-GIRDLE, AUTOSOMAL RECESSIVE 17. Identifiers: Orphanet 254361, MedGen C3150989, MONDO:0013390, OMIM 613723.
Epidermolysis bullosa simplex 5C, with pyloric atresia (EBS5C). Also called: PLEC1-Related Epidermolysis Bullosa with Pyloric Atresia; PLEC-Related Epidermolysis Bullosa with Pyloric Atresia; Epidermolysis bullosa simplex with pyloric atresia. Identifiers: Orphanet 158684, MedGen C2677349, MONDO:0012807, OMIM 612138.
Epidermolysis bullosa simplex 5B, with muscular dystrophy (EBS5B). Also called: EPIDERMOLYSIS BULLOSA SIMPLEX AND LIMB-GIRDLE MUSCULAR DYSTROPHY; Epidermolysis bullosa simplex with muscular dystrophy. Identifiers: Orphanet 257, MedGen C2931072, MONDO:0009181, OMIM 226670.
Epidermolysis bullosa simplex, Ogna type (EBS5A). Also called: Pidermolysis bullosa simplex 5A, Ogna type; EPIDERMOLYSIS BULLOSA SIMPLEX 5A, OGNA TYPE. Identifiers: Orphanet 79401, MedGen C0432317, MONDO:0007555, OMIM 131950.
Epidermolysis bullosa simplex with nail dystrophy (EBS5D). Identifiers: MedGen C4225309, MONDO:0014661, OMIM 616487.
Inborn genetic diseases. Identifiers: MedGen C0950123, MeSH D030342.

Allele frequency attached by ClinVar (database versions not stated): TOPMed 0.00001; gnomAD 0.00003.
gnomAD v4.1: 15 of 1,590,074 alleles (0.00094%); highest among the groups gnomAD compares: South Asian, 0.0056%; no homozygotes.

Submissions (2):

Labcorp Genetics (formerly Invitae), Labcorp
Classification: Uncertain significance for Autosomal recessive limb-girdle muscular dystrophy type 2Q; Epidermolysis bullosa simplex, Ogna type; Epidermolysis bullosa simplex with nail dystrophy; Epidermolysis bullosa simplex 5C, with pyloric atresia; Epidermolysis bullosa simplex 5B, with muscular dystrophy. Last evaluated: 2025-06-12. Review status: criteria provided, single submitter. Criteria: Invitae Variant Classification Sherloc (09022015). Collection method: clinical testing. Allele origin: germline.
Comment: This sequence change replaces serine, which is neutral and polar, with leucine, which is neutral and non-polar, at codon 3199 of the PLEC protein (p.Ser3199Leu). The frequency data for this variant in the population databases is considered unreliable, as metrics indicate poor data quality at this position in the gnomAD database. This variant has not been reported in the literature in individuals affected with PLEC-related conditions. ClinVar contains an entry for this variant (Variation ID: 2532988). Invitae Evidence Modeling of protein sequence and biophysical properties (such as structural, functional, and spatial information, amino acid conservation, physicochemical variation, residue mobility, and thermodynamic stability) indicates that this missense variant is not expected to disrupt PLEC protein function with a negative predictive value of 80%. In summary, the available evidence is currently insufficient to determine the role of this variant in disease. Therefore, it has been classified as a Variant of Uncertain Significance.

Ambry Genetics
Classification: Uncertain significance for Inborn genetic diseases. Last evaluated: 2023-04-05. Review status: criteria provided, single submitter. Criteria: Ambry Variant Classification Scheme 2023. Collection method: clinical testing. Allele origin: germline.

NM_201384.3(PLEC):c.9515C>T (p.Ser3172Leu)

Gene: PLEC (plectin; minus strand). Cytogenetic location: 8q24.3.
Variant type: single nucleotide variant.
Coding change: c.9515C>T on transcript NM_201384.3 (MANE Select); coding-DNA position 9515, C replaced by T.
Protein change: p.Ser3172Leu; replaces serine 3172 with leucine.
Molecular consequence: missense variant.
Genome position (GRCh38, 1-based): chr8:143,920,306, G>A on the plus strand (C>T on the coding strand, the complement: PLEC is on the minus strand). VCF-style: chr8-143920306-G-A. GRCh37 (hg19) VCF-style: chr8-144994474-G-A.
Other names: c.9596C>T, p.Ser3199Leu (NM_000445.5); c.6215C>T, p.Ser2072Leu (NM_001410941.1); c.9473C>T, p.Ser3158Leu (NM_201378.4); c.9449C>T, p.Ser3150Leu (NM_201379.3); c.9926C>T, p.Ser3309Leu (NM_201380.4); c.9419C>T, p.Ser3140Leu (NM_201381.3); c.9515C>T, p.Ser3172Leu (NM_201382.4); c.9527C>T, p.Ser3176Leu (NM_201383.3); short protein forms S2072L, S3140L, S3150L, S3158L, S3172L, S3176L, S3199L, S3309L.
Identifiers: ClinVar variation 2532988 (VCV002532988.3), dbSNP rs1554681365, ClinGen allele CA372508421.